The following is an entry in ClinVar:

ClinVar aggregate classification (germline): Uncertain significance (1 of 4 stars; one submission).

Allele frequency attached by ClinVar (database versions not stated): gnomAD 0.00001; ExAC 0.00002.
gnomAD v4.1: 1 of 1,613,950 alleles (0.000062%); highest among the groups gnomAD compares: African/African-American, 0.0013%; no homozygotes.

Submission:

Labcorp Genetics (formerly Invitae), Labcorp
Classification: Uncertain significance. Last evaluated: 2022-03-08. Review status: criteria provided, single submitter. Criteria: Invitae Variant Classification Sherloc (09022015). Collection method: clinical testing. Allele origin: germline.
Comment: This variant has not been reported in the literature in individuals affected with VAV1-related conditions. Algorithms developed to predict the effect of missense changes on protein structure and function (SIFT, PolyPhen-2, Align-GVGD) all suggest that this variant is likely to be tolerated. Experimental studies have shown that this missense change affects VAV1 function (PMID: 20457609). In summary, the available evidence is currently insufficient to determine the role of this variant in disease. Therefore, it has been classified as a Variant of Uncertain Significance. This variant is present in population databases (rs759607376, gnomAD 0.01%). This sequence change replaces tyrosine, which is neutral and polar, with phenylalanine, which is neutral and non-polar, at codon 841 of the VAV1 protein (p.Tyr841Phe).

Literature cited by the submitters: PubMed 20457609.

NM_005428.4(VAV1):c.2522A>T (p.Tyr841Phe)

Gene: VAV1 (vav guanine nucleotide exchange factor 1; plus strand). Cytogenetic location: 19p13.3.
Variant type: single nucleotide variant.
Coding change: c.2522A>T on transcript NM_005428.4 (MANE Select); coding-DNA position 2522, A replaced by T.
Protein change: p.Tyr841Phe; replaces tyrosine 841 with phenylalanine.
Molecular consequence: missense variant.
Genome position (GRCh38, 1-based): chr19:6,857,091, A>T. VCF-style: chr19-6857091-A-T. GRCh37 (hg19) VCF-style: chr19-6857102-A-T.
Other names: c.2456A>T, p.Tyr819Phe (NM_001258206.2); c.2426A>T, p.Tyr809Phe (NM_001258207.2); short protein forms Y819F, Y841F, Y809F.
Identifiers: ClinVar variation 2187397 (VCV002187397.4), dbSNP rs759607376, ClinGen allele CA9132991.